The following is an entry in ClinVar:

NM_000642.3(AGL):c.4520A>G (p.Asn1507Ser)

Gene: AGL (amylo-alpha-1,6-glucosidase and 4-alpha-glucanotransferase; plus strand). Cytogenetic location: 1p21.2.
Variant type: single nucleotide variant.
Coding change: c.4520A>G on transcript NM_000642.3 (MANE Select); coding-DNA position 4520, A replaced by G.
Protein change: p.Asn1507Ser; replaces asparagine 1507 with serine.
Molecular consequence: missense variant.
Genome position (GRCh38, 1-based): chr1:99,921,572, A>G. VCF-style: chr1-99921572-A-G. GRCh37 (hg19) VCF-style: chr1-100387128-A-G.
Other names: c.4520A>G, p.Asn1507Ser (NM_000028.3, NM_000643.3, NM_000644.3 and 1 more transcripts); c.4472A>G, p.Asn1491Ser (NM_000646.3); c.4499A>G, p.Asn1500Ser (NM_001425326.1); c.4319A>G, p.Asn1440Ser (NM_001425327.1); c.4316A>G, p.Asn1439Ser (NM_001425328.1); c.4181A>G, p.Asn1394Ser (NM_001425329.1); c.4142A>G, p.Asn1381Ser (NM_001425332.1); short protein forms N1491S, N1507S, N1381S, N1394S, N1439S, N1440S, N1500S.
Identifiers: ClinVar variation 1961203 (VCV001961203.5), dbSNP rs1012058155, ClinGen allele CA27564485.

ClinVar aggregate classification (germline): Uncertain significance (1 of 4 stars; one submission).

Conditions:
Glycogen storage disease type III (GSD3). Also called: FORBES DISEASE; Cori disease. Identifiers: Orphanet 366, MedGen C0017922, MONDO:0009291, OMIM 232400.

Allele frequency attached by ClinVar (database versions not stated): gnomAD 0.00001; gnomAD exomes 0.00001; TOPMed 0.00002.
gnomAD v4.1: 9 of 1,613,042 alleles (0.00056%); highest among the groups gnomAD compares: Non-Finnish European, 0.00076%; no homozygotes.

Submission:

Labcorp Genetics (formerly Invitae), Labcorp
Classification: Uncertain significance for Glycogen storage disease type III. Last evaluated: 2023-05-22. Review status: criteria provided, single submitter. Criteria: Invitae Variant Classification Sherloc (09022015). Collection method: clinical testing. Allele origin: germline.
Comment: In summary, the available evidence is currently insufficient to determine the role of this variant in disease. Therefore, it has been classified as a Variant of Uncertain Significance. Advanced modeling of protein sequence and biophysical properties (such as structural, functional, and spatial information, amino acid conservation, physicochemical variation, residue mobility, and thermodynamic stability) performed at Invitae indicates that this missense variant is not expected to disrupt AGL protein function. ClinVar contains an entry for this variant (Variation ID: 1961203). This variant has not been reported in the literature in individuals affected with AGL-related conditions. This variant is present in population databases (no rsID available, gnomAD 0.0009%). This sequence change replaces asparagine, which is neutral and polar, with serine, which is neutral and polar, at codon 1507 of the AGL protein (p.Asn1507Ser).